The following is an entry in ClinVar:

NM_000026.4(ADSL):c.1117A>G (p.Ile373Val)

Gene: ADSL (adenylosuccinate lyase; plus strand). Cytogenetic location: 22q13.1.
Variant type: single nucleotide variant.
Coding change: c.1117A>G on transcript NM_000026.4 (MANE Select); coding-DNA position 1117, A replaced by G.
Protein change: p.Ile373Val; replaces isoleucine 373 with valine.
Molecular consequence: missense variant. On other transcripts: non-coding transcript variant (1).
Genome position (GRCh38, 1-based): chr22:40,364,291, A>G. VCF-style: chr22-40364291-A-G. GRCh37 (hg19) VCF-style: chr22-40760295-A-G.
Other names: c.1117A>G, p.Ile373Val (NM_001123378.3, NM_001363840.3, NM_001410812.1 and 1 more transcripts); c.925A>G, p.Ile309Val (NM_001317923.2); c.1072A>G, p.Ile358Val (NM_001410814.1); short protein forms I373V, I309V, I358V.
Identifiers: ClinVar variation 2042636 (VCV002042636.1), dbSNP rs775475956, ClinGen allele CA411646391.

ClinVar aggregate classification (germline): Uncertain significance (1 of 4 stars; one submission).

Conditions:
Adenylosuccinate lyase deficiency (ADSLD). Also called: ADSL DEFICIENCY. Identifiers: Orphanet 46, MedGen C0268126, MONDO:0007068, OMIM 103050.

gnomAD v4.1: 1 of 1,614,016 alleles (0.000062%); highest among the groups gnomAD compares: Non-Finnish European, 0.000085%; no homozygotes.

Submission:

Labcorp Genetics (formerly Invitae), Labcorp
Classification: Uncertain significance for Adenylosuccinate lyase deficiency. Last evaluated: 2022-06-02. Review status: criteria provided, single submitter. Criteria: Invitae Variant Classification Sherloc (09022015). Collection method: clinical testing. Allele origin: germline.
Comment: This sequence change replaces isoleucine, which is neutral and non-polar, with valine, which is neutral and non-polar, at codon 373 of the ADSL protein (p.Ile373Val). This variant is present in population databases (no rsID available, gnomAD 0.0009%). This variant has not been reported in the literature in individuals affected with ADSL-related conditions. Advanced modeling of protein sequence and biophysical properties (such as structural, functional, and spatial information, amino acid conservation, physicochemical variation, residue mobility, and thermodynamic stability) performed at Invitae indicates that this missense variant is not expected to disrupt ADSL protein function. In summary, the available evidence is currently insufficient to determine the role of this variant in disease. Therefore, it has been classified as a Variant of Uncertain Significance.